The following is an entry in ClinVar:

NM_005316.4(GTF2H1):c.1393T>C (p.Tyr465His)

Gene: GTF2H1 (general transcription factor IIH subunit 1; plus strand). Cytogenetic location: 11p15.1.
Variant type: single nucleotide variant.
Coding change: c.1393T>C on transcript NM_005316.4 (MANE Select); coding-DNA position 1393, T replaced by C.
Protein change: p.Tyr465His; replaces tyrosine 465 with histidine.
Molecular consequence: missense variant.
Genome position (GRCh38, 1-based): chr11:18,358,566, T>C. VCF-style: chr11-18358566-T-C. GRCh37 (hg19) VCF-style: chr11-18380113-T-C.
Other names: c.1393T>C, p.Tyr465His (NM_001142307.2); short protein forms Y465H.
Identifiers: ClinVar variation 3239651 (VCV003239651.2).
Genomic context (GRCh38, chr11:18,358,566, plus strand): 5'-CCTTGTTCTTCTTTTGCAGAGATGGTGCCAAATGATATTCAATCTGAATTGAAACACTTA[T>C]ATGTAGCTGTTGGAGAACTTCTACGACATTTCTGGTCCTGCTTTCCTGTTAATACGCCAT-3'
Protein context (NP_005307.1, residues 455-475): NDIQSELKHL[Tyr465His]VAVGELLRHF

ClinVar aggregate classification (germline): Uncertain significance (1 of 4 stars; one submission).

Conditions:
Oligospermia. Identifiers: MedGen C0028960, MeSH D009845, MONDO:0001913.
Reduced sperm motility. Also called: asthenozoospermia. Identifiers: MedGen C4082176, HP:0012207.
Abnormal sperm morphology. Also called: Teratozoospermia. Identifiers: MedGen C0403824, HP:0012864.

gnomAD v4.1: 125 of 1,612,382 alleles (0.0078%); highest among the groups gnomAD compares: East Asian, 0.2%; no homozygotes.

Submission:

Huzhibin Lab, Nanjing Medical University
Classification: Uncertain significance for Oligozoospermia; Reduced sperm motility; Abnormal sperm morphology. Review status: criteria provided, single submitter. Criteria: ACMG Guidelines, 2015. Collection method: research. Allele origin: germline. Inheritance: Autosomal recessive inheritance. Affected: yes. Observed: 1 variant allele, 1 homozygote.
Comment: Criteria:PS4,PP3 The variant we found here is a rare homozygous LoF variant that was not found in the control population. It was also predicted to be pathogenic by multiple algorithms,such as CADD(28.1), Polyphen(0.553), SIFT(0.02), AlphaMissense(Pathogenic).